The following is an entry in ClinVar:

ClinVar aggregate classification (germline): Likely pathogenic (1 of 4 stars; one submission).

Conditions:
Autosomal recessive limb-girdle muscular dystrophy type 2J (LGMDR10). Also called: Limb-girdle muscular dystrophy, type 2J; MUSCULAR DYSTROPHY, LIMB-GIRDLE, AUTOSOMAL RECESSIVE 10. Identifiers: Orphanet 140922, MedGen C1837342, MONDO:0012127, OMIM 608807.
Dilated cardiomyopathy 1G (CMD1G). Identifiers: Orphanet 154, MedGen C1858763, MONDO:0011400, OMIM 604145.

Submission:

Labcorp Genetics (formerly Invitae), Labcorp
Classification: Likely pathogenic for Dilated cardiomyopathy 1G; Autosomal recessive limb-girdle muscular dystrophy type 2J. Last evaluated: 2024-10-21. Review status: criteria provided, single submitter. Criteria: Invitae Variant Classification Sherloc (09022015). Collection method: clinical testing. Allele origin: germline.
Comment: This sequence change creates a premature translational stop signal (p.Gly27655Valfs*16) in the TTN gene. While this is not anticipated to result in nonsense mediated decay, it is expected to create a truncated TTN protein. This variant is not present in population databases (gnomAD no frequency). This variant has not been reported in the literature in individuals affected with TTN-related conditions. This variant is located in the A band of TTN (PMID: 25589632). Truncating variants in this region are significantly overrepresented in patients affected with dilated cardiomyopathy (PMID: 25589632). Truncating variants in this region have also been reported in individuals affected with autosomal recessive centronuclear myopathy (PMID: 23975875). In summary, the currently available evidence indicates that the variant is pathogenic, but additional data are needed to prove that conclusively. Therefore, this variant has been classified as Likely Pathogenic.

Literature cited by the submitters: PubMed 25589632; PubMed 23975875.

NM_001267550.2(TTN):c.82964del (p.Gly27655fs)

Genes: TTN-AS1 (TTN antisense RNA 1; plus strand), TTN (titin; minus strand). Cytogenetic location: 2q31.2.
Variant type: Deletion.
Coding change: c.82964del on transcript NM_001267550.2 (MANE Select); coding-DNA position 82964, one base deleted (G; older notation c.82964delG).
Protein change: p.Gly27655fs; shifts the reading frame from glycine 27655.
Molecular consequence: frameshift variant.
Genome position (GRCh38, 1-based): chr2:178,563,168, C deleted on the plus strand (G on the coding strand, the reverse complement: TTN is on the minus strand); the first of 2 consecutive C bases (chr2:178,563,168-178,563,169); deleting either gives the same sequence. VCF-style (leftmost placement, unchanged base first): chr2-178563167-AC-A. GRCh37 (hg19) VCF-style: chr2-179427894-AC-A.
Other names: c.78041del, p.Gly26014fs (NM_001256850.1); c.55769del, p.Gly18590fs (NM_003319.4); c.75260del, p.Gly25087fs (NM_133378.4); c.56144del, p.Gly18715fs (NM_133432.3); c.56345del, p.Gly18782fs (NM_133437.4); short protein forms G18590fs, G18715fs, G18782fs, G25087fs, G26014fs, G27655fs.
Identifiers: ClinVar variation 3753137 (VCV003753137.2).